The following is an entry in ClinVar:

ClinVar aggregate classification (germline): Uncertain significance (1 of 4 stars; one submission).

Conditions:
Hereditary spastic paraplegia 30. Identifiers: Orphanet 101010, MedGen C5235139, MONDO:0012476.
Neuropathy, hereditary sensory, type 2C. Also called: Hereditary sensory and autonomic neuropathy type IIC; KIF1A-Related HSAN2 (HSAN2C). Identifiers: Orphanet 970, MedGen C3280168, MONDO:0013634, OMIM 614213.
Intellectual disability, autosomal dominant 9 (NESCAVS). Also called: NESCAV SYNDROME; KIF1A-Related Neurodevelopmental Disorder. Identifiers: Orphanet 662367, MedGen C5393830, MONDO:0013656, OMIM 614255.

Allele frequency attached by ClinVar (database versions not stated): gnomAD exomes below 0.00001 and 0.00001; gnomAD 0.00001; TOPMed 0.00001.
gnomAD v4.1: 10 of 1,613,530 alleles (0.00062%); highest among the groups gnomAD compares: Non-Finnish European, 0.00085%; no homozygotes.

Submission:

Labcorp Genetics (formerly Invitae), Labcorp
Classification: Uncertain significance for Hereditary spastic paraplegia 30; Neuropathy, hereditary sensory, type 2C; Intellectual disability, autosomal dominant 9. Last evaluated: 2024-03-07. Review status: criteria provided, single submitter. Criteria: Invitae Variant Classification Sherloc (09022015). Collection method: clinical testing. Allele origin: germline.
Comment: This sequence change replaces alanine, which is neutral and non-polar, with serine, which is neutral and polar, at codon 736 of the KIF1A protein (p.Ala736Ser). The frequency data for this variant in the population databases is considered unreliable, as metrics indicate poor data quality at this position in the gnomAD database. This variant has not been reported in the literature in individuals affected with KIF1A-related conditions. ClinVar contains an entry for this variant (Variation ID: 841295). Advanced modeling of protein sequence and biophysical properties (such as structural, functional, and spatial information, amino acid conservation, physicochemical variation, residue mobility, and thermodynamic stability) has been performed at Invitae for this missense variant, however the output from this modeling did not meet the statistical confidence thresholds required to predict the impact of this variant on KIF1A protein function. In summary, the available evidence is currently insufficient to determine the role of this variant in disease. Therefore, it has been classified as a Variant of Uncertain Significance.

NM_001244008.2(KIF1A):c.2233G>T (p.Ala745Ser)

Gene: KIF1A (kinesin family member 1A; minus strand). Cytogenetic location: 2q37.3.
Variant type: single nucleotide variant.
Coding change: c.2233G>T on transcript NM_001244008.2 (MANE Select); coding-DNA position 2233, G replaced by T.
Protein change: p.Ala745Ser; replaces alanine 745 with serine.
Molecular consequence: missense variant.
Genome position (GRCh38, 1-based): chr2:240,761,261, C>A on the plus strand (G>T on the coding strand, the complement: KIF1A is on the minus strand). VCF-style: chr2-240761261-C-A. GRCh37 (hg19) VCF-style: chr2-241700678-C-A.
Other names: c.2233G>T, p.Ala745Ser (NM_001320705.2, NM_001330289.2, NM_001379638.1); c.2308G>T, p.Ala770Ser (NM_001330290.2, NM_001379631.1, NM_001379634.1 and 2 more transcripts); c.2206G>T, p.Ala736Ser (NM_001379632.1, NM_001379633.1, NM_001379636.1 and 10 more transcripts); c.2281G>T, p.Ala761Ser (NM_001379637.1, NM_001379648.1); short protein forms A736S, A745S, A770S, A761S.
Identifiers: ClinVar variation 841295 (VCV000841295.8), dbSNP rs1384214619, ClinGen allele CA351325377.
Genomic context (GRCh38, chr2:240,761,261, plus strand): 5'-GAAACGGTACAGCCAGTGGGCAGCCCACCTTCTTTTTCAGCTCCACGCTGATGGCATTGG[C>A]CTCCTTGAGGAAGATGGCGTTGCCCCACAGCAGGTCCCGCAGAGACGTGAACTGGTACCA-3'
Protein context (NP_001230937.1, residues 735-755): LWGNAIFLKE[Ala745Ser]NAISVELKKK